The following is an entry in ClinVar:

ClinVar aggregate classification (germline): Uncertain significance (1 of 4 stars; one submission).

Conditions:
Cardiovascular phenotype. Identifiers: MedGen CN230736.

gnomAD v4.1: 1 of 1,609,432 alleles (0.000062%); highest among the groups gnomAD compares: East Asian, 0.0022%; no homozygotes.

Submission:

Ambry Genetics
Classification: Uncertain significance for Cardiovascular phenotype. Last evaluated: 2025-01-27. Review status: criteria provided, single submitter. Criteria: Ambry Variant Classification Scheme 2023. Collection method: clinical testing. Allele origin: germline.
Comment: The c.80485+4A>G intronic variant results from an A to G substitution 4 nucleotides after coding exon 189 in the TTN gene. This nucleotide position is highly conserved in available vertebrate species. In silico splice site analysis predicts that this alteration may weaken the native splice donor site. Based on the available evidence, the clinical significance of this variant remains unclear.

NM_001267550.2(TTN):c.107680+4A>G

Genes: TTN (titin; minus strand), TTN-AS1 (TTN antisense RNA 1; plus strand). Cytogenetic location: 2q31.2.
Variant type: single nucleotide variant.
Coding change: c.107680+4A>G on transcript NM_001267550.2 (MANE Select); 4 bases into the intron after coding-DNA position 107680, A replaced by G.
Molecular consequence: intron variant.
Genome position (GRCh38, 1-based): chr2:178,527,442, T>C on the plus strand (A>G on the coding strand, the complement: TTN is on the minus strand). VCF-style: chr2-178527442-T-C. GRCh37 (hg19) VCF-style: chr2-179392169-T-C.
Other names: c.80485+4A>G (NM_003319.4); c.81061+4A>G (NM_133437.4); c.80860+4A>G (NM_133432.3); c.99976+4A>G (NM_133378.4); c.102757+4A>G (NM_001256850.1).
Identifiers: ClinVar variation 3812244 (VCV003812244.1).